The following is an entry in ClinVar:

NM_001127898.4(CLCN5):c.2360+1G>A

Genes: CLCN5 (Cl-/H+ antiporter 5; plus strand), LOC126863258 (BRD4-independent group 4 enhancer GRCh37_chrX:49854497-49855696; plus strand). Cytogenetic location: Xp11.23.
Variant type: single nucleotide variant.
Coding change: c.2360+1G>A on transcript NM_001127898.4 (MANE Select); the canonical splice donor site of the intron after coding-DNA position 2360, G replaced by A.
Molecular consequence: splice donor variant.
Genome position (GRCh38, 1-based): chrX:50,090,887, G>A. VCF-style: chrX-50090887-G-A. GRCh37 (hg19) VCF-style: chrX-49855544-G-A.
Other names: c.2360+1G>A (NM_001127899.4); c.2150+1G>A (NM_000084.5); c.2210+1G>A (NM_001282163.2).
Identifiers: ClinVar variation 3255104 (VCV003255104.1), dbSNP rs2519447431.

ClinVar aggregate classification (germline): Pathogenic (1 of 4 stars; one submission).

Conditions:
Dent disease type 1 (DENT1). Also called: NEPHROLITHIASIS 2; NEPHROLITHIASIS, HYPERCALCIURIC, X-LINKED. Identifiers: Orphanet 1652, Orphanet 93622, MedGen C1848336, MONDO:0010225, OMIM 300009.

Submission:

Victorian Clinical Genetics Services, Murdoch Childrens Research Institute
Classification: Pathogenic for Dent disease type 1. Last evaluated: 2023-07-17. Review status: criteria provided, single submitter. Criteria: ACMG Guidelines, 2015. Collection method: clinical testing. Allele origin: germline. Inheritance: X-linked recessive inheritance. Affected: yes.
Comment: Based on the classification scheme VCGS_Germline_v1.3.4, this variant is classified as Pathogenic. Following criteria are met: 0102 - Loss of function is a known mechanism of disease in this gene and is associated with Dent disease 1 (MIM#300009). (I) 0109 - This gene is associated with X-linked recessive disease. Dent disease 1 (MIM#300009) is now the generally accepted name for a group of hereditary tubular disorders including X-linked recessive nephrolithiasis type I (MIM#310468), hypophosphataemic rickets (MIM#300554), and low molecular weight proteinuria with hypercalciuric nephrocalcinosis (MIM#308990) (PMID: 12637640). Dent disease 1 (MIM#300009) mainly affects males; however, female carriers may manifest a milder phenotype (PMID: 28580211). (I) 0115 - Variants in this gene are known to have variable expressivity. The phenotype can be variable within and between families (PMID: 28580211). (I) 0211 - Canonical splice site variant without proven consequence on splicing (no functional evidence available). (SP) 0253 - This variant is hemizygous. (I) 0301 - Variant is absent from gnomAD (both v2 and v3). (SP) 0505 - Abnormal splicing is predicted by in silico tools and affected nucleotide is highly conserved. (SP) 0704 - Another canonical splice variant comparable to the one identified in this case has limited previous evidence for pathogenicity. c.2360+1G>T has been observed in two individuals with Dent disease and RT-PCR studies have shown this variant causes exon skipping leading to a frameshift and premature truncation (PMIDs: 32683654, 19673950). These publications use alternative variant nomenclature (NM_000084.4:c.2150+1G>T). (SP) 0803 - This variant has limited previous evidence of pathogenicity in unrelated individuals. This variant, reported as NM_000084.4:c.2150+1G>A, has been observed in two individuals with Dent disease (PMID: 25907713). (SP) 0905 - No published segregation evidence has been identified for this variant. (I) 1007 - No published functional evidence has been identified for this variant. (I) 1208 - Inheritance information for this variant is not currently available in this individual. (I) Legend: (SP) - Supporting pathogenic, (I) - Information, (SB) - Supporting benign

Literature cited by the submitters: PubMed 12637640; PubMed 19673950; PubMed 25907713; PubMed 28580211; PubMed 32683654.